The following is an entry in ClinVar:

ClinVar aggregate classification (germline): Likely benign. Review status: criteria provided, multiple submitters, no conflicts (2 of 4 stars). 2 submissions from 2 submitters: Likely benign (2). Last evaluated 2026-02-27.

Conditions:
Nephronophthisis 14 (NPHP14). Identifiers: Orphanet 2318, MedGen C3539071, MONDO:0013916, OMIM 614844.
ZNF423-related disorder. Also called: ZNF423-related condition.

Allele frequency attached by ClinVar (database versions not stated): gnomAD exomes 0.00001 and 0.00002; ExAC 0.00002; TOPMed 0.00003; gnomAD 0.00005; ESP Exome Variant Server 0.00008.
gnomAD v4.1: 23 of 1,613,862 alleles (0.0014%); highest among the groups gnomAD compares: Non-Finnish European, 0.0019%; no homozygotes.

Submissions (2):

PreventionGenetics, part of Exact Sciences
Classification: Likely benign for ZNF423-related condition. Last evaluated: 2026-02-27. Review status: criteria provided, single submitter. Criteria: ACMG Guidelines, 2015. Collection method: clinical testing. Allele origin: germline.
Comment: This variant is classified as likely benign based on ACMG/AMP sequence variant interpretation guidelines (Richards et al. 2015 PMID: 25741868, with internal and published modifications).

Labcorp Genetics (formerly Invitae), Labcorp
Classification: Likely benign for Nephronophthisis 14. Last evaluated: 2025-10-08. Review status: criteria provided, single submitter. Criteria: Invitae Variant Classification Sherloc (09022015). Collection method: clinical testing. Allele origin: germline.

NM_001379286.1(ZNF423):c.3543C>T (p.Cys1181=)

Gene: ZNF423 (zinc finger protein 423; minus strand). Cytogenetic location: 16q12.1.
Variant type: single nucleotide variant.
Coding change: c.3543C>T on transcript NM_001379286.1 (MANE Select); coding-DNA position 3543, C replaced by T.
Protein change: p.Cys1181=; no amino-acid change (cysteine 1181 retained).
Molecular consequence: synonymous variant.
Genome position (GRCh38, 1-based): chr16:49,626,228, G>A on the plus strand (C>T on the coding strand, the complement: ZNF423 is on the minus strand). VCF-style: chr16-49626228-G-A. GRCh37 (hg19) VCF-style: chr16-49660139-G-A.
Other names: c.3339C>T, p.Cys1113= (NM_001271620.2); c.3168C>T, p.Cys1056= (NM_001330533.2); c.3519C>T, p.Cys1173= (NM_015069.5); c.3519C>T (NM_015069.4).
Identifiers: ClinVar variation 734768 (VCV000734768.8), dbSNP rs373620289, ClinGen allele CA8046259.